The following is an entry in ClinVar:

NM_007194.4(CHEK2):c.830T>A (p.Leu277Ter)

Gene: CHEK2 (checkpoint kinase 2; minus strand). Cytogenetic location: 22q12.1.
Variant type: single nucleotide variant.
Coding change: c.830T>A on transcript NM_007194.4 (MANE Select); coding-DNA position 830, T replaced by A.
Protein change: p.Leu277Ter; replaces leucine 277 with a stop codon.
Molecular consequence: nonsense.
Genome position (GRCh38, 1-based): chr22:28,710,022, A>T on the plus strand (T>A on the coding strand, the complement: CHEK2 is on the minus strand). VCF-style: chr22-28710022-A-T. GRCh37 (hg19) VCF-style: chr22-29106010-A-T.
Other names: c.959T>A, p.Leu320Ter (NM_001005735.3); c.167T>A, p.Leu56Ter (NM_001257387.3); c.629T>A, p.Leu210Ter (NM_001349956.3); c.830T>A, p.Leu277Ter (NM_145862.3); short protein forms L210*, L277*, L320*, L56*.
Identifiers: ClinVar variation 1068535 (VCV001068535.8), dbSNP rs1555920150, ClinGen allele CA411102348.

ClinVar aggregate classification (germline): Pathogenic (1 of 4 stars; one submission).

Conditions:
Familial cancer of breast. Also called: hereditary breast carcinoma; BREAST CANCER, FAMILIAL; Hereditary breast cancer. Identifiers: Orphanet 227535, MedGen C0346153, MONDO:0016419, OMIM 114480. Disease mechanism: loss of function.

Submission:

Labcorp Genetics (formerly Invitae), Labcorp
Classification: Pathogenic for Familial cancer of breast. Last evaluated: 2024-01-03. Review status: criteria provided, single submitter. Criteria: Invitae Variant Classification Sherloc (09022015). Collection method: clinical testing. Allele origin: germline.
Comment: This sequence change creates a premature translational stop signal (p.Leu277*) in the CHEK2 gene. It is expected to result in an absent or disrupted protein product. Loss-of-function variants in CHEK2 are known to be pathogenic (PMID: 21876083, 24713400). This variant is not present in population databases (gnomAD no frequency). This variant has not been reported in the literature in individuals affected with CHEK2-related conditions. ClinVar contains an entry for this variant (Variation ID: 1068535). Algorithms developed to predict the effect of sequence changes on RNA splicing suggest that this variant may disrupt the consensus splice site. For these reasons, this variant has been classified as Pathogenic.

Literature cited by the submitters: PubMed 21876083; PubMed 24713400.